The following is an entry in ClinVar:

NM_001165963.4(SCN1A):c.1133del (p.Leu378fs)

Gene: SCN1A (sodium voltage-gated channel alpha subunit 1; minus strand). Cytogenetic location: 2q24.3.
Variant type: Deletion.
Coding change: c.1133del on transcript NM_001165963.4 (MANE Select); coding-DNA position 1133, one base deleted (T; older notation c.1133delT).
Protein change: p.Leu378fs; shifts the reading frame from leucine 378.
Molecular consequence: frameshift variant. On other transcripts: 5 prime UTR variant (1), non-coding transcript variant (1).
Genome position (GRCh38, 1-based): chr2:166,047,664, A deleted on the plus strand (T on the coding strand, the reverse complement: SCN1A is on the minus strand). VCF-style (leftmost placement, unchanged base first): chr2-166047663-TA-T. GRCh37 (hg19) VCF-style: chr2-166904173-TA-T.
Other names: c.1133delT (NM_001165963.4, NM_006920.6); c.1133del, p.Leu378fs (NM_001165964.3, NM_001202435.3, NM_001353948.2 and 10 more transcripts); c.-1293del (NM_001353961.2); short protein forms L378fs.
Identifiers: ClinVar variation 977923 (VCV000977923.7), dbSNP rs1698004184, ClinGen allele CA1139655675.

ClinVar aggregate classification (germline): Pathogenic/Likely pathogenic. Review status: criteria provided, multiple submitters, no conflicts (2 of 4 stars). 2 submissions from 2 submitters: Pathogenic (1); Likely pathogenic (1). Last evaluated 2020-06-11.

Conditions:
Generalized epilepsy with febrile seizures plus, type 2 (GEFSP2). Also called: GEFS+, TYPE 2. Identifiers: Orphanet 36387, MedGen C1858673, MONDO:0011461, OMIM 604403.
Severe myoclonic epilepsy in infancy (DRVT). Also called: Dravet syndrome; DEVELOPMENTAL AND EPILEPTIC ENCEPHALOPATHY 6A; Epileptic encephalopathy, early infantile, 6 (Dravet syndrome); Severe Myoclonic Epilepsy in Infancy (SMEI); SEVERE MYOCLONIC EPILEPSY OF INFANCY. Identifiers: Orphanet 33069, MedGen C0751122, MONDO:0100135, OMIM 607208.

Submissions (2):

Diagnostics Services (NGS), CSIR - Centre For Cellular And Molecular Biology
Classification: Pathogenic for Generalized epilepsy with febrile seizures plus, type 2; Severe myoclonic epilepsy in infancy. Last evaluated: 2020-06-11. Review status: criteria provided, single submitter. Criteria: ACMG Guidelines, 2015. Collection method: clinical testing. Allele origin: unknown. Inheritance: Autosomal dominant inheritance. Affected: yes. Observed: 1 heterozygote.
Comment: The c.1133delT variant is not present in publicly available databases like 1000 Genomes, Exome Variant Server (EVS), Exome Aggregation Consortium (ExAC), Genome Aggregation Database (gnomAD) and dbSNP. The variant is not present in our in-house exome database. The variant was earlier not reported to ClinVar, OMIM and Human Genome Mutation Database (HGMD) in any affected individuals. However a missense variant was reported earlier to HGMD (ID:CM096127) in the same position in similarly affected individuals [Depienne et al., J Med Genet 2009]. In-silico pathogenicity prediction programs like MutationTaster2, CADD etc. predicted this variant to be likely deleterious. The variant causes a frameshift at 378th amino acid position that creates stop codon at 379thamino acid position of the altered transcript. This may either cause a nonsense mediated decay of the mRNA resulting in no protein or a truncated protein due to premature stop codon. The variant meets the criteria of ACMG guidelines to be classified as 'Pathogenic'.

Lifecell International Pvt. Ltd
Classification: Likely pathogenic for Severe myoclonic epilepsy in infancy. Review status: criteria provided, single submitter. Criteria: ACMG Guidelines, 2015. Collection method: clinical testing. Allele origin: germline. Inheritance: Autosomal dominant inheritance. Affected: yes. Observed: 1 variant allele, 1 heterozygote.
Comment: A heterozygous one-base deletion in exon 11 of the SCN1A gene (c.1133delT) that results in a frameshift and premature truncation of the protein 2 amino acids downstream to codon 378 (p.Leu378GlnfsTer2) was detected. This frameshift variant is not reported in both the 1000 genomes and gnomAD databases. The gene has a low rate of benign loss of function variants as indicated by a high LoF variants Z-Score of 7.90. The variant is a loss of function variant in the gene, which is intolerant of Loss of Function variants, as indicated by the presence of existing pathogenic loss of function variant NP_001159435.1:p.M1I and 443 others. There are 341 downstream pathogenic loss of function variants, with the furthest variant being 1548 residues downstream of the variant. Based on the above evidence this variant has been classified as Likely pathogenic according to the ACMG guidelines.